The following is an entry in ClinVar:

NM_015139.3(SLC35D1):c.479G>A (p.Trp160Ter)

Gene: SLC35D1 (solute carrier family 35 member D1; minus strand). Cytogenetic location: 1p31.3.
Variant type: single nucleotide variant.
Coding change: c.479G>A on transcript NM_015139.3 (MANE Select); coding-DNA position 479, G replaced by A.
Protein change: p.Trp160Ter; replaces tryptophan 160 with a stop codon.
Molecular consequence: nonsense.
Genome position (GRCh38, 1-based): chr1:67,049,836, C>T on the plus strand (G>A on the coding strand, the complement: SLC35D1 is on the minus strand). VCF-style: chr1-67049836-C-T. GRCh37 (hg19) VCF-style: chr1-67515519-C-T.
Other names: short protein forms W160*.
Identifiers: ClinVar variation 3691465 (VCV003691465.2).

ClinVar aggregate classification (germline): Pathogenic (1 of 4 stars; one submission).

Conditions:
Schneckenbecken dysplasia. Identifiers: Orphanet 3144, MedGen C0432194, MONDO:0010013, OMIM 269250.

Submission:

Labcorp Genetics (formerly Invitae), Labcorp
Classification: Pathogenic for Schneckenbecken dysplasia. Last evaluated: 2025-01-29. Review status: criteria provided, single submitter. Criteria: Invitae Variant Classification Sherloc (09022015). Collection method: clinical testing. Allele origin: germline.
Comment: This sequence change creates a premature translational stop signal (p.Trp160*) in the SLC35D1 gene. It is expected to result in an absent or disrupted protein product. Loss-of-function variants in SLC35D1 are known to be pathogenic (PMID: 17952091, 19508970). This variant is not present in population databases (gnomAD no frequency). This variant has not been reported in the literature in individuals affected with SLC35D1-related conditions. Algorithms developed to predict the effect of sequence changes on RNA splicing suggest that this variant may disrupt the consensus splice site. For these reasons, this variant has been classified as Pathogenic.

Literature cited by the submitters: PubMed 17952091; PubMed 19508970.